The following is an entry in ClinVar:

NM_001267550.2(TTN):c.21779C>A (p.Ser7260Tyr)

Gene: TTN (titin; minus strand). Cytogenetic location: 2q31.2.
Variant type: single nucleotide variant.
Coding change: c.21779C>A on transcript NM_001267550.2 (MANE Select); coding-DNA position 21779, C replaced by A.
Protein change: p.Ser7260Tyr; replaces serine 7260 with tyrosine.
Molecular consequence: missense variant. On other transcripts: intron variant (3).
Genome position (GRCh38, 1-based): chr2:178,723,228, G>T on the plus strand (C>A on the coding strand, the complement: TTN is on the minus strand). VCF-style: chr2-178723228-G-T. GRCh37 (hg19) VCF-style: chr2-179587955-G-T.
Other names: p.S6943Y:TCT>TAT; p.Ser6943Tyr; c.20828C>A, p.Ser6943Tyr (NM_001256850.1); c.18047C>A, p.Ser6016Tyr (NM_133378.4); c.13282+14854C>A (NM_003319.4); c.13858+14854C>A (NM_133437.4); c.13657+14854C>A (NM_133432.3); short protein forms S7260Y, S6016Y, S6943Y.
Identifiers: ClinVar variation 46690 (VCV000046690.75), dbSNP rs187925021, ClinGen allele CA138967.

ClinVar aggregate classification (germline): Benign/Likely benign. Review status: criteria provided, multiple submitters, no conflicts (2 of 4 stars). 25 submissions from 18 submitters: Benign (13); Likely benign (7). 5 of the submissions do not count toward it. Last evaluated 2026-02-03.

Conditions:
Dilated cardiomyopathy 1G (CMD1G). Identifiers: Orphanet 154, MedGen C1858763, MONDO:0011400, OMIM 604145.
Autosomal recessive limb-girdle muscular dystrophy type 2J (LGMDR10). Also called: MUSCULAR DYSTROPHY, LIMB-GIRDLE, AUTOSOMAL RECESSIVE 10; Limb-girdle muscular dystrophy, type 2J. Identifiers: Orphanet 140922, MedGen C1837342, MONDO:0012127, OMIM 608807.
Cardiomyopathy (CMYO). Also called: Cardiomyopathies. Identifiers: Orphanet 167848, MedGen C0878544, MONDO:0004994, HP:0001638. Inheritance: Various modes of inheritance.
Myopathy, myofibrillar, 9, with early respiratory failure (MFM9). Also called: Myopathy, distal, with early respiratory failure, autosomal dominant; Hereditary myopathy with early respiratory failure; MYOPATHY, PROXIMAL, WITH EARLY RESPIRATORY MUSCLE INVOLVEMENT; EDSTROM MYOPATHY. Identifiers: Orphanet 178464, Orphanet 34521, MedGen C1863599, MONDO:0011362, OMIM 603689.
Early-onset myopathy with fatal cardiomyopathy (CMYO5). Also called: CONGENITAL MYOPATHY 5 WITH CARDIOMYOPATHY; Salih Myopathy. Identifiers: Orphanet 289377, MedGen C2673677, MONDO:0012714, OMIM 611705. Disease mechanism: loss of function.
Tibial muscular dystrophy (TMD). Also called: Udd Distal Myopathy – Tibial Muscular Dystrophy; Tibial muscular dystrophy, tardive; UDD MYOPATHY. Identifiers: Orphanet 609, MedGen C1838244, MONDO:0010870, OMIM 600334.

Allele frequency attached by ClinVar (database versions not stated): gnomAD 0.00118 and 0.00204; 1000 Genomes Project 0.00819; ESP Exome Variant Server 0.00067; TOPMed 0.00108; gnomAD exomes 0.00395; ExAC 0.00449; 1000 Genomes Project 30x 0.00796.
gnomAD v4.1: 3,204 of 1,613,574 alleles (0.2%); highest among the groups gnomAD compares: South Asian, 2.7%; 62 homozygotes.

Submissions (25):

Labcorp Genetics (formerly Invitae), Labcorp
Classification: Benign for Dilated cardiomyopathy 1G; Autosomal recessive limb-girdle muscular dystrophy type 2J. Last evaluated: 2026-02-03. Review status: criteria provided, single submitter. Criteria: Invitae Variant Classification Sherloc (09022015). Collection method: clinical testing. Allele origin: germline.

Genome-Nilou Lab
Classification: Benign for Autosomal recessive limb-girdle muscular dystrophy type 2J. Last evaluated: 2021-09-10. Review status: criteria provided, single submitter. Criteria: ACMG Guidelines, 2015. Collection method: clinical testing. Allele origin: germline. Affected: no.

Genome-Nilou Lab
Classification: Benign for Myopathy, myofibrillar, 9, with early respiratory failure. Last evaluated: 2021-09-10. Review status: criteria provided, single submitter. Criteria: ACMG Guidelines, 2015. Collection method: clinical testing. Allele origin: germline. Affected: no.

Genome-Nilou Lab
Classification: Benign for Early-onset myopathy with fatal cardiomyopathy. Last evaluated: 2021-09-10. Review status: criteria provided, single submitter. Criteria: ACMG Guidelines, 2015. Collection method: clinical testing. Allele origin: germline. Affected: no.

Genome-Nilou Lab
Classification: Benign for Tibial muscular dystrophy. Last evaluated: 2021-09-10. Review status: criteria provided, single submitter. Criteria: ACMG Guidelines, 2015. Collection method: clinical testing. Allele origin: germline. Affected: no.

Mayo Clinic Laboratories, Mayo Clinic
Classification: Benign. Last evaluated: 2020-12-03. Review status: criteria provided, single submitter. Criteria: ACMG Guidelines, 2015. Collection method: clinical testing. Allele origin: germline. Observed: 11 variant alleles.

Dubai Health Genomic Medicine Center, Dubai Health
Classification: Benign. Last evaluated: 2020-03-19. Review status: criteria provided, single submitter. Criteria: ACMG Guidelines, 2015. Collection method: clinical testing. Allele origin: germline. Affected: yes.

Women's Health and Genetics/Laboratory Corporation of America, LabCorp
Classification: Likely benign. Last evaluated: 2019-12-09. Review status: criteria provided, single submitter. Criteria: LabCorp Variant Classification Summary - May 2015. Collection method: clinical testing. Allele origin: germline.

Illumina Laboratory Services, Illumina
Classification: Likely benign for Dilated cardiomyopathy 1G. Last evaluated: 2018-01-12. Review status: criteria provided, single submitter. Criteria: ICSL Variant Classification Criteria 13 December 2019. Collection method: clinical testing. Allele origin: germline.
Comment: This variant was observed in the ICSL laboratory as part of a predisposition screen in an ostensibly healthy population. It had not been previously curated by ICSL or reported in the Human Gene Mutation Database (HGMD: prior to June 1st, 2018), and was therefore a candidate for classification through an automated scoring system. Utilizing variant allele frequency, disease prevalence and penetrance estimates, and inheritance mode, an automated score was calculated to assess if this variant is too frequent to cause the disease. Based on the score and internal cut-off values, a variant classified as likely benign is not then subjected to further curation. The score for this variant resulted in a classification of likely benign for this disease.

Illumina Laboratory Services, Illumina
Classification: Benign for Tibial muscular dystrophy. Last evaluated: 2018-01-12. Review status: criteria provided, single submitter. Criteria: ICSL Variant Classification Criteria 13 December 2019. Collection method: clinical testing. Allele origin: germline.
Comment: This variant was observed in the ICSL laboratory as part of a predisposition screen in an ostensibly healthy population. It had not been previously curated by ICSL or reported in the Human Gene Mutation Database (HGMD: prior to June 1st, 2018), and was therefore a candidate for classification through an automated scoring system. Utilizing variant allele frequency, disease prevalence and penetrance estimates, and inheritance mode, an automated score was calculated to assess if this variant is too frequent to cause the disease. Based on the score and internal cut-off values, a variant classified as benign is not then subjected to further curation. The score for this variant resulted in a classification of benign for this disease.

Illumina Laboratory Services, Illumina
Classification: Likely benign for Early-onset myopathy with fatal cardiomyopathy. Last evaluated: 2018-01-12. Review status: criteria provided, single submitter. Criteria: ICSL Variant Classification Criteria 13 December 2019. Collection method: clinical testing. Allele origin: germline.
Comment: the same text as in the submission from Illumina Laboratory Services, Illumina above.

Illumina Laboratory Services, Illumina
Classification: Benign for Myopathy, myofibrillar, 9, with early respiratory failure. Last evaluated: 2018-01-12. Review status: criteria provided, single submitter. Criteria: ICSL Variant Classification Criteria 13 December 2019. Collection method: clinical testing. Allele origin: germline.
Comment: the same text as in the submission from Illumina Laboratory Services, Illumina above.

Illumina Laboratory Services, Illumina
Classification: Likely benign for Autosomal recessive limb-girdle muscular dystrophy type 2J. Last evaluated: 2018-01-12. Review status: criteria provided, single submitter. Criteria: ICSL Variant Classification Criteria 13 December 2019. Collection method: clinical testing. Allele origin: germline.
Comment: the same text as in the submission from Illumina Laboratory Services, Illumina above.

CHEO Genetics Diagnostic Laboratory, Children's Hospital of Eastern Ontario
Classification: Benign for Cardiomyopathy. Last evaluated: 2017-11-02. Review status: criteria provided, single submitter. Criteria: ACMG Guidelines, 2015. Collection method: clinical testing. Allele origin: germline.

GeneDx
Classification: Benign. Last evaluated: 2015-07-06. Review status: criteria provided, single submitter. Criteria: GeneDx Variant Classification (06012015). Collection method: clinical testing. Allele origin: germline. Affected: yes.
Comment: This variant is considered likely benign or benign based on one or more of the following criteria: it is a conservative change, it occurs at a poorly conserved position in the protein, it is predicted to be benign by multiple in silico algorithms, and/or has population frequency not consistent with disease.

Genetic Services Laboratory, University of Chicago
Classification: Likely benign. Last evaluated: 2015-04-04. Review status: criteria provided, single submitter. Criteria: ACMG Guidelines, 2015. Collection method: clinical testing. Allele origin: germline.

Eurofins Ntd Llc (ga)
Classification: Benign. Last evaluated: 2014-11-26. Review status: criteria provided, single submitter. Criteria: EGL Classification Definitions 2015. Collection method: clinical testing. Allele origin: germline. Observed: 1 variant allele, 1 heterozygote.

Laboratory for Molecular Medicine, Mass General Brigham Personalized Medicine
Classification: Benign. Last evaluated: 2014-11-20. Review status: criteria provided, single submitter. Criteria: LMM Criteria. Collection method: clinical testing. Allele origin: germline. Observed: 12 variant alleles.
Comment: p.Ser6016Tyr in exon 72 of TTN: This variant is not expected to have clinical si gnificance because it has been identified in 2.9% (483/16572) of South Asian chr omosomes by the Exome Aggregation Consortium (ExAC, rg; dbSNP rs187925021).

Biesecker Lab/Clinical Genomics Section, National Institutes of Health
Classification: Likely benign. Last evaluated: 2013-06-24. Review status: criteria provided, single submitter. Criteria: Ng et al. (Circ Cardiovasc Genet. 2013). Collection method: research. Allele origin: unknown. Observed: 2 variant alleles. Study: ClinSeq.
Comment: The study set was not selected for affection status in relation to any cancer. Pathogenicity categories were based on literature curation. See Pubmed ID:23861362 for details.

Medical sequencing

Breakthrough Genomics
Classification: Likely benign. Review status: criteria provided, single submitter. Criteria: ACMG Guidelines, 2015. Collection method: not provided. Allele origin: germline. Inheritance: Autosomal recessive inheritance. Affected: yes.

Clinical Genetics DNA and cytogenetics Diagnostics Lab, Erasmus MC, Erasmus Medical Center
Classification: Benign. Review status: no assertion criteria provided. Collection method: clinical testing. Allele origin: germline. Affected: yes. Study: VKGL Data-share Consensus. Not counted in ClinVar's aggregate classification.

Clinical Genetics, Academic Medical Center
Classification: Benign. Review status: no assertion criteria provided. Collection method: clinical testing. Allele origin: germline. Affected: yes. Study: VKGL Data-share Consensus. Not counted in ClinVar's aggregate classification.

Diagnostic Laboratory, Department of Genetics, University Medical Center Groningen
Classification: Likely benign. Review status: no assertion criteria provided. Collection method: clinical testing. Allele origin: germline. Affected: yes. Study: VKGL Data-share Consensus. Not counted in ClinVar's aggregate classification.

Joint Genome Diagnostic Labs from Nijmegen and Maastricht, Radboudumc and MUMC+
Classification: Likely benign. Review status: no assertion criteria provided. Collection method: clinical testing. Allele origin: germline. Affected: yes. Study: VKGL Data-share Consensus. Not counted in ClinVar's aggregate classification.

Laboratory of Diagnostic Genome Analysis, Leiden University Medical Center (LUMC)
Classification: Likely benign. Review status: no assertion criteria provided. Collection method: clinical testing. Allele origin: germline. Affected: yes. Study: VKGL Data-share Consensus. Not counted in ClinVar's aggregate classification.

Literature cited by the submitters: PubMed 24503780 (cited by Laboratory for Molecular Medicine, Mass General Brigham Personalized Medicine).